The following is an entry in ClinVar:

ClinVar aggregate classification (germline): Uncertain significance. Review status: criteria provided, multiple submitters, no conflicts (2 of 4 stars). 2 submissions from 2 submitters: Uncertain significance (2). Last evaluated 2024-07-29.

Conditions:
Leber congenital amaurosis 3 (LCA3). Also called: SPATA7-Related Retinitis Pigmentosa. Identifiers: MedGen C1858677, MONDO:0011415, OMIM 604232.

Allele frequency attached by ClinVar (database versions not stated): gnomAD 0.00001; gnomAD exomes 0.00002 and 0.00003; ExAC 0.00003; TOPMed 0.00003; ESP Exome Variant Server 0.00015.
gnomAD v4.1: 48 of 1,610,902 alleles (0.003%); highest among the groups gnomAD compares: Non-Finnish European, 0.0038%; no homozygotes.

Submissions (2):

Labcorp Genetics (formerly Invitae), Labcorp
Classification: Uncertain significance for Leber congenital amaurosis 3. Last evaluated: 2024-07-29. Review status: criteria provided, single submitter. Criteria: Invitae Variant Classification Sherloc (09022015). Collection method: clinical testing. Allele origin: germline.
Comment: This sequence change replaces serine, which is neutral and polar, with leucine, which is neutral and non-polar, at codon 427 of the SPATA7 protein (p.Ser427Leu). This variant is present in population databases (rs143653250, gnomAD 0.007%). This variant has not been reported in the literature in individuals affected with SPATA7-related conditions. ClinVar contains an entry for this variant (Variation ID: 1042095). Advanced modeling of protein sequence and biophysical properties (such as structural, functional, and spatial information, amino acid conservation, physicochemical variation, residue mobility, and thermodynamic stability) performed at Invitae indicates that this missense variant is not expected to disrupt SPATA7 protein function with a negative predictive value of 80%. In summary, the available evidence is currently insufficient to determine the role of this variant in disease. Therefore, it has been classified as a Variant of Uncertain Significance.

Blueprint Genetics
Classification: Uncertain significance. Last evaluated: 2021-12-22. Review status: criteria provided, single submitter. Criteria: ACMG Guidelines, 2015. Collection method: clinical testing. Allele origin: germline.

NM_018418.5(SPATA7):c.1280C>T (p.Ser427Leu)

Gene: SPATA7 (spermatogenesis associated 7; plus strand). Cytogenetic location: 14q31.3.
Variant type: single nucleotide variant.
Coding change: c.1280C>T on transcript NM_018418.5 (MANE Select); coding-DNA position 1280, C replaced by T.
Protein change: p.Ser427Leu; replaces serine 427 with leucine.
Molecular consequence: missense variant.
Genome position (GRCh38, 1-based): chr14:88,437,902, C>T. VCF-style: chr14-88437902-C-T. GRCh37 (hg19) VCF-style: chr14-88904246-C-T.
Other names: c.1184C>T, p.Ser395Leu (NM_001040428.4); short protein forms S427L, S395L.
Identifiers: ClinVar variation 1042095 (VCV001042095.8), dbSNP rs143653250, ClinGen allele CA7298791.
Genomic context (GRCh38, chr14:88,437,902, plus strand): 5'-AAATGCGCCACCTGCTGCATGTCCTGAAAGTAGACTTAGGCTGCACATCGGAGGAAAACT[C>T]GGTAAAGCAAAATGATGTTGATATGTTGAATGTATTTGATTTTGAAAAGGCTGGGAATTC-3'
Protein context (NP_060888.2, residues 417-437): VDLGCTSEEN[Ser427Leu]VKQNDVDMLN